The following is an entry in ClinVar:

ClinVar aggregate classification (germline): Pathogenic (1 of 4 stars; one submission).

Conditions:
Ehlers-Danlos syndrome, classic type, 1 (EDSCL1). Also called: EHLERS-DANLOS SYNDROME, GRAVIS TYPE; EHLERS-DANLOS SYNDROME, SEVERE CLASSIC TYPE; Ehlers-Danlos syndrome, type 1; Ehlers-Danlos Syndrome, Classic Type, COL5A1-Related; EDS I. Identifiers: MedGen C0268335, MONDO:0019567, OMIM 130000.
Osteogenesis imperfecta type I (OI1). Also called: OI, TYPE I; OSTEOGENESIS IMPERFECTA TARDA; OSTEOGENESIS IMPERFECTA WITH BLUE SCLERAE; Osteogenesis imperfecta type 1; Lobstein's Disease; Lobstein disease. Identifiers: Orphanet 216796, Orphanet 666, MedGen C0023931, MONDO:0008146, OMIM 166200. Disease mechanism: loss of function.

Submission:

Labcorp Genetics (formerly Invitae), Labcorp
Classification: Pathogenic for Osteogenesis imperfecta type I; Ehlers-Danlos syndrome, classic type, 1. Last evaluated: 2025-08-14. Review status: criteria provided, single submitter. Criteria: Invitae Variant Classification Sherloc (09022015). Collection method: clinical testing. Allele origin: germline.
Comment: This sequence change replaces glycine, which is neutral and non-polar, with serine, which is neutral and polar, at codon 523 of the COL1A2 protein (p.Gly523Ser). This variant is not present in population databases (gnomAD no frequency). This missense change has been observed in individuals with osteogenesis imperfecta (PMID: 35154279; internal data). Invitae Evidence Modeling of protein sequence and biophysical properties (such as structural, functional, and spatial information, amino acid conservation, physicochemical variation, residue mobility, and thermodynamic stability) indicates that this missense variant is expected to disrupt COL1A2 protein function with a positive predictive value of 95%. This variant disrupts the triple helix domain of COL1A2. Glycine residues within the Gly-Xaa-Yaa repeats of the triple helix domain are required for the structure and stability of fibrillar collagens (PMID: 7695699, 8218237, 19344236). In COL1A2, variants affecting these glycine residues are significantly enriched in individuals with disease (PMID: 9016532, 17078022) compared to the general population (ExAC). For these reasons, this variant has been classified as Pathogenic.

Literature cited by the submitters: PubMed 35154279; PubMed 7695699; PubMed 8218237; PubMed 19344236; PubMed 9016532; PubMed 17078022.

NM_000089.4(COL1A2):c.1567G>A (p.Gly523Ser)

Gene: COL1A2 (collagen type I alpha 2 chain; plus strand). Cytogenetic location: 7q21.3.
Variant type: single nucleotide variant.
Coding change: c.1567G>A on transcript NM_000089.4 (MANE Select); coding-DNA position 1567, G replaced by A.
Protein change: p.Gly523Ser; replaces glycine 523 with serine.
Molecular consequence: missense variant.
Genome position (GRCh38, 1-based): chr7:94,413,699, G>A. VCF-style: chr7-94413699-G-A. GRCh37 (hg19) VCF-style: chr7-94043011-G-A.
Other names: short protein forms G523S.
Identifiers: ClinVar variation 4783363 (VCV004783363.1).